The following is an entry in ClinVar:

ClinVar aggregate classification (germline): Benign/Likely benign. Review status: criteria provided, multiple submitters, no conflicts (2 of 4 stars). 3 submissions from 3 submitters: Benign (1); Likely benign (2). Last evaluated 2025-12-29.

Conditions:
Hyperlipidemia due to hepatic triglyceride lipase deficiency. Also called: LIPC DEFICIENCY. Identifiers: Orphanet 140905, MedGen C3151466, MONDO:0013533, OMIM 614025.

Allele frequency attached by ClinVar (database versions not stated): gnomAD exomes 0.00077; ExAC 0.00088; gnomAD 0.00318 and 0.00344; 1000 Genomes Project 30x 0.00344; ESP Exome Variant Server 0.00355; TOPMed 0.00357; 1000 Genomes Project 0.00359.
gnomAD v4.1: 925 of 1,612,262 alleles (0.057%); highest among the groups gnomAD compares: African/African-American, 1.1%; 8 homozygotes.

Submissions (3):

Labcorp Genetics (formerly Invitae), Labcorp
Classification: Benign. Last evaluated: 2025-12-29. Review status: criteria provided, single submitter. Criteria: Invitae Variant Classification Sherloc (09022015). Collection method: clinical testing. Allele origin: germline.

GeneDx
Classification: Likely benign. Last evaluated: 2021-03-14. Review status: criteria provided, single submitter. Criteria: GeneDx Variant Classification Process June 2021. Collection method: clinical testing. Allele origin: germline. Affected: yes.

Illumina Laboratory Services, Illumina
Classification: Likely benign for Hyperlipidemia due to hepatic triglyceride lipase deficiency. Last evaluated: 2018-01-13. Review status: criteria provided, single submitter. Criteria: ICSL Variant Classification Criteria 13 December 2019. Collection method: clinical testing. Allele origin: germline.
Comment: This variant was observed in the ICSL laboratory as part of a predisposition screen in an ostensibly healthy population. It had not been previously curated by ICSL or reported in the Human Gene Mutation Database (HGMD: prior to June 1st, 2018), and was therefore a candidate for classification through an automated scoring system. Utilizing variant allele frequency, disease prevalence and penetrance estimates, and inheritance mode, an automated score was calculated to assess if this variant is too frequent to cause the disease. Based on the score and internal cut-off values, a variant classified as likely benign is not then subjected to further curation. The score for this variant resulted in a classification of likely benign for this disease.

NM_000236.3(LIPC):c.575-15C>T

Gene: LIPC (lipase C, hepatic type; plus strand). Cytogenetic location: 15q21.3.
Variant type: single nucleotide variant.
Coding change: c.575-15C>T on transcript NM_000236.3 (MANE Select); 15 bases into the intron before coding-DNA position 575, C replaced by T.
Molecular consequence: intron variant.
Genome position (GRCh38, 1-based): chr15:58,545,727, C>T. VCF-style: chr15-58545727-C-T. GRCh37 (hg19) VCF-style: chr15-58837926-C-T.
Identifiers: ClinVar variation 885098 (VCV000885098.12), dbSNP rs141216569, ClinGen allele CA7584927.
Genomic context (GRCh38, chr15:58,545,727, plus strand): 5'-TCCAAAAGCTAAAAAGCACATCTCTCTTCCCCTCTCCTTGCTCCTGCGTAACCCTTACCC[C>T]TGCTTTCCCATTAGGGCTGGATGCCGCGGGACCTTTGTTTGAGGGAAGTGCCCCCAGCAA-3'